The following is an entry in ClinVar:

ClinVar aggregate classification (germline): Uncertain significance (1 of 4 stars; one submission).

Allele frequency attached by ClinVar (database versions not stated): gnomAD exomes below 0.00001; gnomAD 0.00001; TOPMed 0.00001.
gnomAD v4.1: 2 of 1,613,236 alleles (0.00012%); highest among the groups gnomAD compares: African/African-American, 0.0027%; no homozygotes.

Submission:

GeneDx
Classification: Uncertain significance. Last evaluated: 2024-04-23. Review status: criteria provided, single submitter. Criteria: GeneDx Variant Classification Process June 2021. Collection method: clinical testing. Allele origin: germline. Affected: yes.
Comment: Not observed at significant frequency in large population cohorts (gnomAD); In silico analysis supports that this missense variant has a deleterious effect on protein structure/function; Has not been previously published as pathogenic or benign to our knowledge

NM_020822.3(KCNT1):c.1162G>A (p.Asp388Asn)

Gene: KCNT1 (potassium sodium-activated channel subfamily T member 1; plus strand). Cytogenetic location: 9q34.3.
Variant type: single nucleotide variant.
Coding change: c.1162G>A on transcript NM_020822.3 (MANE Select); coding-DNA position 1162, G replaced by A.
Protein change: p.Asp388Asn; replaces aspartic acid 388 with asparagine.
Molecular consequence: missense variant.
Genome position (GRCh38, 1-based): chr9:135,765,157, G>A. VCF-style: chr9-135765157-G-A. GRCh37 (hg19) VCF-style: chr9-138657003-G-A.
Other names: c.1027G>A, p.Asp343Asn (NM_001272003.2); short protein forms D343N, D388N.
Identifiers: ClinVar variation 3253229 (VCV003253229.1), dbSNP rs1832172595.